The following is an entry in ClinVar:

NM_004341.5(CAD):c.3775G>A (p.Val1259Met)

Gene: CAD (carbamoyl-phosphate synthetase 2, aspartate transcarbamylase, and dihydroorotase; plus strand). Cytogenetic location: 2p23.3.
Variant type: single nucleotide variant.
Coding change: c.3775G>A on transcript NM_004341.5 (MANE Select); coding-DNA position 3775, G replaced by A.
Protein change: p.Val1259Met; replaces valine 1259 with methionine.
Molecular consequence: missense variant.
Genome position (GRCh38, 1-based): chr2:27,234,674, G>A. VCF-style: chr2-27234674-G-A. GRCh37 (hg19) VCF-style: chr2-27457542-G-A.
Other names: c.3586G>A, p.Val1196Met (NM_001306079.2); short protein forms V1196M, V1259M.
Identifiers: ClinVar variation 3366729 (VCV003366729.4).

ClinVar aggregate classification (germline): Conflicting classifications of pathogenicity. Review status: criteria provided, conflicting classifications (1 of 4 stars). 3 submissions from 3 submitters: Likely pathogenic (2); Uncertain significance (1). Last evaluated 2026-01-08.

Conditions:
Developmental and epileptic encephalopathy, 50 (DEE50). Also called: Epileptic encephalopathy, early infantile, 50. Identifiers: Orphanet 448010, MedGen C4225320, MONDO:0014647, OMIM 616457.

gnomAD v4.1: 6 of 1,613,992 alleles (0.00037%); highest among the groups gnomAD compares: Admixed American, 0.0033%; no homozygotes.

Submissions (3):

Variantyx, Inc.
Classification: Likely pathogenic for Developmental and epileptic encephalopathy, 50. Last evaluated: 2026-01-08. Review status: criteria provided, single submitter. Criteria: Variantyx Assertion Criteria 2022. Collection method: clinical testing. Allele origin: germline. Inheritance: Autosomal recessive inheritance.
Comment: This is a nonsynonymous variant in the CAD gene (OMIM: 114010). Pathogenic variants in this gene have been associated with autosomal recessive developmental and epileptic encephalopathy 50. This variant has been identified in the homozygous or compound heterozygous state in at least 3 individuals reported in the published literature (PMID: 32117025, 32820246, 36283272) (PM3). Functional studies have shown that this variant alters CAD protein function (PMID: 37540500) (PS3) and multiple computational algorithms predict a deleterious effect for this variant (REVEL score: 0.859) (PP3). This variant has a 0.0033% maximum allele frequency in non-founder control populations (PM2). Based on the current evidence, this variant is classified as likely pathogenic for autosomal recessive developmental and epileptic encephalopathy 50.

Women's Health and Genetics/Laboratory Corporation of America, LabCorp
Classification: Uncertain significance. Last evaluated: 2024-08-30. Review status: criteria provided, single submitter. Criteria: LabCorp Variant Classification Summary - May 2015. Collection method: clinical testing. Allele origin: germline.
Comment: Variant summary: CAD c.3775G>A (p.Val1259Met) results in a conservative amino acid change in the encoded protein sequence. Four of five in-silico tools predict a damaging effect of the variant on protein function. The variant allele was found at a frequency of 4e-06 in 251296 control chromosomes (gnomAD). The available data on variant occurrences in the general population are insufficient to allow any conclusion about variant significance. c.3775G>A has been reported in the literature in one compound heterozygous individual affected with with global developmental delay, refractory epilepsy, and anemia with anisopoikilocytosis (Zhou_2020). These data do not allow any conclusion about variant significance. To our knowledge, no experimental evidence demonstrating an impact on protein function has been reported. The following publications have been ascertained in the context of this evaluation (PMID: 32820246, 32117025). No submitters have cited clinical-significance assessments for this variant to ClinVar. Based on the evidence outlined above, the variant was classified as uncertain significance.

Juno Genomics, Hangzhou Juno Genomics, Inc
Classification: Likely pathogenic for Developmental and epileptic encephalopathy, 50. Review status: criteria provided, single submitter. Criteria: ACMG Guidelines, 2015. Collection method: clinical testing. Allele origin: germline. Affected: yes.
Comment: Absent from controls (or at extremely low frequency if recessive) in Genome Aggregation Database, Exome Sequencing Project, 1000 Genomes Project, or Exome Aggregation Consortium.;Multiple lines of computational evidence support a deleterious effect on the gene or gene product (conservation, evolutionary, splicing impact, etc).;De novo (both maternity and paternity confirmed) in a patient with the disease and no family history.;For recessive disorders, detected in trans with a pathogenic variant.;Patient's phenotype or family history is highly specific for a disease with a single genetic etiology.

Literature cited by the submitters: PubMed 37540500 (cited by Variantyx, Inc.); PubMed 32117025 (cited by Variantyx, Inc. and Women's Health and Genetics/Laboratory Corporation of America, LabCorp); PubMed 32820246 (cited by Variantyx, Inc. and Women's Health and Genetics/Laboratory Corporation of America, LabCorp); PubMed 36283272 (cited by Variantyx, Inc.).